The following is an entry in ClinVar:

ClinVar aggregate classification (germline): Conflicting classifications of pathogenicity. Review status: criteria provided, conflicting classifications (1 of 4 stars). 3 submissions from 3 submitters: Uncertain significance (1); Likely benign (1). 1 of the submissions does not count toward it. Last evaluated 2026-01-01.

Conditions:
NEK1-related disorder. Also called: NEK1-related condition.
Short-rib thoracic dysplasia 6 with or without polydactyly (SRTD6). Also called: POLYDACTYLY WITH NEONATAL CHONDRODYSTROPHY, TYPE II; SHORT-RIB THORACIC DYSPLASIA 6 WITHOUT POLYDACTYLY; Majewski Syndrome; SHORT-RIB THORACIC DYSPLASIA 6 WITH POLYDACTYLY; SHORT RIB-POLYDACTYLY SYNDROME, TYPE IIA. Identifiers: MedGen C0024507, MONDO:0009894, OMIM 263520.

Allele frequency attached by ClinVar (database versions not stated): gnomAD exomes 0.00003; gnomAD 0.00005 and 0.00006; TOPMed 0.00007.
gnomAD v4.1: 128 of 1,536,420 alleles (0.0083%); highest among the groups gnomAD compares: Non-Finnish European, 0.011%; no homozygotes.

Submissions (3):

CeGaT Center for Human Genetics Tuebingen
Classification: Uncertain significance. Last evaluated: 2026-01-01. Review status: criteria provided, single submitter. Criteria: CeGaT Center For Human Genetics Tuebingen Variant Classification Criteria Version 2. Collection method: clinical testing. Allele origin: germline. Affected: yes. Observed: 1 variant allele.
Comment: NEK1: PM2:Supporting, BP4

Labcorp Genetics (formerly Invitae), Labcorp
Classification: Likely benign for Short-rib thoracic dysplasia 6 with or without polydactyly. Last evaluated: 2025-08-18. Review status: criteria provided, single submitter. Criteria: Invitae Variant Classification Sherloc (09022015). Collection method: clinical testing. Allele origin: germline.

PreventionGenetics, part of Exact Sciences
Classification: Likely benign for NEK1-related condition. Last evaluated: 2024-03-27. Review status: no assertion criteria provided. Collection method: clinical testing. Allele origin: germline. Not counted in ClinVar's aggregate classification.
Comment: This variant is classified as likely benign based on ACMG/AMP sequence variant interpretation guidelines (Richards et al. 2015 PMID: 25741868, with internal and published modifications).

NM_001199397.3(NEK1):c.3750T>C (p.Ile1250=)

Gene: NEK1 (NIMA related kinase 1; minus strand). Cytogenetic location: 4q33.
Variant type: single nucleotide variant.
Coding change: c.3750T>C on transcript NM_001199397.3 (MANE Select); coding-DNA position 3750, T replaced by C.
Protein change: p.Ile1250=; no amino-acid change (isoleucine 1250 retained).
Molecular consequence: synonymous variant. On other transcripts: non-coding transcript variant (1).
Genome position (GRCh38, 1-based): chr4:169,400,322, A>G on the plus strand (T>C on the coding strand, the complement: NEK1 is on the minus strand). VCF-style: chr4-169400322-A-G. GRCh37 (hg19) VCF-style: chr4-170321473-A-G.
Other names: c.3618T>C, p.Ile1206= (NM_001199398.3); c.3459T>C, p.Ile1153= (NM_001199399.3); c.3534T>C, p.Ile1178= (NM_001199400.3); c.3750T>C, p.Ile1250= (NM_001374418.1); c.3666T>C, p.Ile1222= (NM_001374419.1, NM_012224.4); c.3615T>C, p.Ile1205= (NM_001374420.1); c.3267T>C, p.Ile1089= (NM_001374421.1).
Identifiers: ClinVar variation 348088 (VCV000348088.17), dbSNP rs886059225, ClinGen allele CA10618258.